The following is an entry in ClinVar:

ClinVar aggregate classification (germline): Uncertain significance (1 of 4 stars; one submission).

Submission:

Labcorp Genetics (formerly Invitae), Labcorp
Classification: Uncertain significance. Last evaluated: 2025-11-12. Review status: criteria provided, single submitter. Criteria: Invitae Variant Classification Sherloc (09022015). Collection method: clinical testing. Allele origin: germline.
Comment: This sequence change replaces leucine, which is neutral and non-polar, with serine, which is neutral and polar, at codon 1624 of the FOCAD protein (p.Leu1624Ser). This variant is not present in population databases (gnomAD no frequency). This variant has not been reported in the literature in individuals affected with FOCAD-related conditions. Experimental studies and prediction algorithms are not available or were not evaluated, and the functional significance of this variant is currently unknown. In summary, the available evidence is currently insufficient to determine the role of this variant in disease. Therefore, it has been classified as a Variant of Uncertain Significance.

NM_001375567.1(FOCAD):c.4871T>C (p.Leu1624Ser)

Gene: FOCAD (focadhesin; plus strand). Cytogenetic location: 9p21.3.
Variant type: single nucleotide variant.
Coding change: c.4871T>C on transcript NM_001375567.1 (MANE Select); coding-DNA position 4871, T replaced by C.
Protein change: p.Leu1624Ser; replaces leucine 1624 with serine.
Molecular consequence: missense variant.
Genome position (GRCh38, 1-based): chr9:20,986,430, T>C. VCF-style: chr9-20986430-T-C. GRCh37 (hg19) VCF-style: chr9-20986429-T-C.
Other names: c.4766T>C, p.Leu1589Ser (NM_001375568.1, NM_001375570.1); c.4871T>C, p.Leu1624Ser (NM_017794.5); short protein forms L1624S, L1589S.
Identifiers: ClinVar variation 4730878 (VCV004730878.1).